The following is an entry in ClinVar:

ClinVar aggregate classification (germline): Likely benign (0 of 4 stars; one submission).

gnomAD v4.1: 2 of 1,614,206 alleles (0.00012%); highest among the groups gnomAD compares: Non-Finnish European, 0.00017%; no homozygotes.

Submission:

Leiden Open Variation Database
Classification: Likely benign. Last evaluated: 2012-08-31. Review status: no assertion criteria provided. Collection method: curation. Allele origin: germline. Affected: yes.
Comment: Curator: Arleen D. Auerbach. Submitter to LOVD: Janine Bakker.

Literature cited by the submitters: PubMed 22911665.

NM_032444.4(SLX4):c.851A>G (p.His284Arg)

Gene: SLX4 (SLX4 structure-specific endonuclease subunit; minus strand). Cytogenetic location: 16p13.3.
Variant type: single nucleotide variant.
Coding change: c.851A>G on transcript NM_032444.4 (MANE Select); coding-DNA position 851, A replaced by G.
Protein change: p.His284Arg; replaces histidine 284 with arginine.
Molecular consequence: missense variant.
Genome position (GRCh38, 1-based): chr16:3,602,217, T>C on the plus strand (A>G on the coding strand, the complement: SLX4 is on the minus strand). VCF-style: chr16-3602217-T-C. GRCh37 (hg19) VCF-style: chr16-3652218-T-C.
Other names: short protein forms H284R.
Identifiers: ClinVar variation 929593 (VCV000929593.1), dbSNP rs778405275, ClinGen allele CA394532369.